The following is an entry in ClinVar:

NM_024596.5(MCPH1):c.1781C>G (p.Thr594Arg)

Gene: MCPH1 (microcephalin 1; plus strand). Cytogenetic location: 8p23.1.
Variant type: single nucleotide variant.
Coding change: c.1781C>G on transcript NM_024596.5 (MANE Select); coding-DNA position 1781, C replaced by G.
Protein change: p.Thr594Arg; replaces threonine 594 with arginine.
Molecular consequence: missense variant. On other transcripts: non-coding transcript variant (1).
Genome position (GRCh38, 1-based): chr8:6,445,503, C>G. VCF-style: chr8-6445503-C-G. GRCh37 (hg19) VCF-style: chr8-6303024-C-G.
Other names: c.1781C>G, p.Thr594Arg (NM_001172574.2, NM_001322042.2, NM_001363979.1 and 1 more transcripts); c.1637C>G, p.Thr546Arg (NM_001172575.2); c.1775C>G, p.Thr592Arg (NM_001322043.2); c.1679C>G, p.Thr560Arg (NM_001322045.2); short protein forms T594R, T560R, T592R, T546R.
Identifiers: ClinVar variation 198909 (VCV000198909.6), dbSNP rs115033462, ClinGen allele CA203671.
Genomic context (GRCh38, chr8:6,445,503, plus strand): 5'-CTGAAGGCGAAGCCCAGAGTGAACATGAGCCATGTTTTATAGTTGACTGTAACATGGAGA[C>G]GTCTACAGAAGAGAAGGAAAACTTACCCGGAGGATACAGTGGAAGTATGTGAATCTCCTT-3'
Protein context (NP_078872.3, residues 584-604): PCFIVDCNME[Thr594Arg]STEEKENLPG

ClinVar aggregate classification (germline): Conflicting classifications of pathogenicity. Review status: criteria provided, conflicting classifications (1 of 4 stars). 2 submissions from 2 submitters: Uncertain significance (1); Benign (1). Last evaluated 2022-08-21.

gnomAD v4.1: 5 of 1,612,220 alleles (0.00031%); highest among the groups gnomAD compares: Admixed American, 0.005%; no homozygotes.

Submissions (2):

Labcorp Genetics (formerly Invitae), Labcorp
Classification: Uncertain significance. Last evaluated: 2022-08-21. Review status: criteria provided, single submitter. Criteria: Invitae Variant Classification Sherloc (09022015). Collection method: clinical testing. Allele origin: germline.
Comment: This sequence change replaces threonine, which is neutral and polar, with arginine, which is basic and polar, at codon 594 of the MCPH1 protein (p.Thr594Arg). This variant is present in population databases (no rsID available, gnomAD 0.009%). This variant has not been reported in the literature in individuals affected with MCPH1-related conditions. ClinVar contains an entry for this variant (Variation ID: 198909). Algorithms developed to predict the effect of missense changes on protein structure and function output the following: SIFT: "Not Available"; PolyPhen-2: "Benign"; Align-GVGD: "Not Available". The arginine amino acid residue is found in multiple mammalian species, which suggests that this missense change does not adversely affect protein function. In summary, the available evidence is currently insufficient to determine the role of this variant in disease. Therefore, it has been classified as a Variant of Uncertain Significance.

Eurofins Ntd Llc (ga)
Classification: Benign. Last evaluated: 2014-11-22. Review status: criteria provided, single submitter. Criteria: EGL Classification Definitions 2015. Collection method: clinical testing. Allele origin: germline. Observed: 1 variant allele, 1 heterozygote.